The following is an entry in ClinVar:

ClinVar aggregate classification (germline): Likely benign. Review status: criteria provided, single submitter (1 of 4 stars). 2 submissions from 2 submitters: Likely benign (1). 1 of the submissions does not count toward it. Last evaluated 2025-12-03.

Conditions:
Rubinstein-Taybi syndrome due to EP300 haploinsufficiency. Also called: EP300-Related Rubinstein-Taybi Syndrome; RUBINSTEIN-TAYBI SYNDROME 2. Identifiers: Orphanet 353284, Orphanet 783, MedGen C3150941, MONDO:0013364, OMIM 613684.
EP300-related disorder. Also called: EP300-related condition; EP300-related disorders.

Allele frequency attached by ClinVar (database versions not stated): gnomAD 0.00001; gnomAD exomes 0.00003; TOPMed 0.00003; ESP Exome Variant Server 0.00008; ExAC 0.00010.
gnomAD v4.1: 48 of 1,614,042 alleles (0.003%); highest among the groups gnomAD compares: Non-Finnish European, 0.0025%; no homozygotes.

Submissions (2):

Labcorp Genetics (formerly Invitae), Labcorp
Classification: Likely benign for Rubinstein-Taybi syndrome due to EP300 haploinsufficiency. Last evaluated: 2025-12-03. Review status: criteria provided, single submitter. Criteria: Invitae Variant Classification Sherloc (09022015). Collection method: clinical testing. Allele origin: germline.

PreventionGenetics, part of Exact Sciences
Classification: Likely benign for EP300-related condition. Last evaluated: 2022-05-25. Review status: no assertion criteria provided. Collection method: clinical testing. Allele origin: germline. Not counted in ClinVar's aggregate classification.
Comment: This variant is classified as likely benign based on ACMG/AMP sequence variant interpretation guidelines (Richards et al. 2015 PMID: 25741868, with internal and published modifications).

NM_001429.4(EP300):c.6592G>A (p.Gly2198Arg)

Gene: EP300 (EP300 lysine acetyltransferase; plus strand). Cytogenetic location: 22q13.2.
Variant type: single nucleotide variant.
Coding change: c.6592G>A on transcript NM_001429.4 (MANE Select); coding-DNA position 6592, G replaced by A.
Protein change: p.Gly2198Arg; replaces glycine 2198 with arginine.
Molecular consequence: missense variant.
Genome position (GRCh38, 1-based): chr22:41,178,303, G>A. VCF-style: chr22-41178303-G-A. GRCh37 (hg19) VCF-style: chr22-41574307-G-A.
Other names: c.6514G>A, p.Gly2172Arg (NM_001362843.2); short protein forms G2172R, G2198R.
Identifiers: ClinVar variation 3033027 (VCV003033027.4), dbSNP rs370216095, ClinGen allele CA10253895.